The following is an entry in ClinVar:

NM_000257.4(MYH7):c.4426T>G (p.Ser1476Ala)

Genes: MHRT (myosin heavy chain associated RNA transcript; plus strand), MYH7 (myosin heavy chain 7; minus strand). Cytogenetic location: 14q11.2.
Variant type: single nucleotide variant.
Coding change: c.4426T>G on transcript NM_000257.4 (MANE Select); coding-DNA position 4426, T replaced by G.
Protein change: p.Ser1476Ala; replaces serine 1476 with alanine.
Molecular consequence: missense variant. On other transcripts: non-coding transcript variant (1).
Genome position (GRCh38, 1-based): chr14:23,417,246, A>C on the plus strand (T>G on the coding strand, the complement: MYH7 is on the minus strand). VCF-style: chr14-23417246-A-C. GRCh37 (hg19) VCF-style: chr14-23886455-A-C.
Other names: c.4426T>G, p.Ser1476Ala (NM_001407004.1); short protein forms S1476A.
Identifiers: ClinVar variation 3072179 (VCV003072179.1), dbSNP rs2502250157, ClinGen allele CA389038532.

ClinVar aggregate classification (germline): Uncertain significance (1 of 4 stars; one submission).

Conditions:
Cardiomyopathy (CMYO). Also called: Cardiomyopathies. Identifiers: Orphanet 167848, MedGen C0878544, MONDO:0004994, HP:0001638. Inheritance: Various modes of inheritance.

Submission:

All of Us Research Program, National Institutes of Health
Classification: Uncertain significance for Cardiomyopathy. Last evaluated: 2023-06-26. Review status: criteria provided, single submitter. Criteria: ACMG Guidelines, 2015. Collection method: clinical testing. Allele origin: germline. Inheritance: Autosomal dominant inheritance. Observed: 1 variant allele, 1 heterozygote.
Comment: This missense variant replaces serine with alanine at codon 1476 of the MYH7 protein. Computational prediction suggests that this variant may not impact protein structure and function (internally defined REVEL score threshold <= 0.5, PMID: 27666373). To our knowledge, functional studies have not been reported for this variant. This variant has not been reported in individuals affected with MYH7-related disorders in the literature. This variant has not been identified in the general population by the Genome Aggregation Database (gnomAD). The available evidence is insufficient to determine the role of this variant in disease conclusively. Therefore, this variant is classified as a Variant of Uncertain Significance.

This study involves interpretation of variants in research participants for the purpose of population health screening. Participant phenotype was not available at the time of variant classification. Additional details can be found in publication PMID: 35346344, PMCID: PMC8962531